The following is an entry in ClinVar:

NM_015141.4(GPD1L):c.283A>G (p.Ile95Val)

Gene: GPD1L (glycerol-3-phosphate dehydrogenase 1 like; plus strand). Cytogenetic location: 3p22.3.
Variant type: single nucleotide variant.
Coding change: c.283A>G on transcript NM_015141.4 (MANE Select); coding-DNA position 283, A replaced by G.
Protein change: p.Ile95Val; replaces isoleucine 95 with valine.
Molecular consequence: missense variant.
Genome position (GRCh38, 1-based): chr3:32,138,644, A>G. VCF-style: chr3-32138644-A-G. GRCh37 (hg19) VCF-style: chr3-32180136-A-G.
Other names: short protein forms I95V.
Identifiers: ClinVar variation 1796690 (VCV001796690.2), dbSNP rs2471396555, ClinGen allele CA351974236.
Genomic context (GRCh38, chr3:32,138,644, plus strand): 5'-CAGGTTGCCATGTCAAATCTTAGCGAGGCTGTGCAGGATGCAGACCTGCTGGTGTTTGTC[A>G]TTCCCCACCAGTTCATTCACAGAATCTGTGATGAGATCACTGGGAGAGTGCCCAAGAAAG-3'
Protein context (NP_055956.1, residues 85-105): VQDADLLVFV[Ile95Val]PHQFIHRICD

ClinVar aggregate classification (germline): Uncertain significance (1 of 4 stars; one submission).

Conditions:
Cardiovascular phenotype. Identifiers: MedGen CN230736.

Submission:

Ambry Genetics
Classification: Uncertain significance for Cardiovascular phenotype. Last evaluated: 2021-11-09. Review status: criteria provided, single submitter. Criteria: Ambry Variant Classification Scheme 2023. Collection method: clinical testing. Allele origin: germline.
Comment: The p.I95V variant (also known as c.283A>G), located in coding exon 3 of the GPD1L gene, results from an A to G substitution at nucleotide position 283. The isoleucine at codon 95 is replaced by valine, an amino acid with highly similar properties. This amino acid position is conserved. In addition, this alteration is predicted to be tolerated by in silico analysis. Since supporting evidence is limited at this time, the clinical significance of this alteration remains unclear.